The following is an entry in ClinVar:

ClinVar aggregate classification (germline): Uncertain significance. Review status: criteria provided, multiple submitters, no conflicts (2 of 4 stars). 8 submissions from 7 submitters: Uncertain significance (7). 1 of the submissions does not count toward it. Last evaluated 2026-06-10.

Conditions:
USH2A-related disorder. Also called: USH2A-related condition; USH2A-related disorders. Identifiers: MedGen CN239332.
Inborn genetic diseases. Identifiers: MedGen C0950123, MeSH D030342.
Usher syndrome type 2A. Also called: USHER SYNDROME, TYPE IIA; RETINAL DISEASE IN USHER SYNDROME TYPE IIA, MODIFIER OF. Identifiers: Orphanet 231178, Orphanet 886, MedGen C1848634, MONDO:0010169, OMIM 276901.
Retinitis pigmentosa 39 (RP39). Identifiers: Orphanet 791, MedGen C3151138, MONDO:0013436, OMIM 613809.

Allele frequency attached by ClinVar (database versions not stated): ExAC 0.00001; gnomAD exomes 0.00001 and 0.00002; gnomAD 0.00007 and 0.00009; ESP Exome Variant Server 0.00008; TOPMed 0.00009.
gnomAD v4.1: 24 of 1,613,908 alleles (0.0015%); highest among the groups gnomAD compares: African/African-American, 0.027%; no homozygotes.

Submissions (8):

PreventionGenetics, part of Exact Sciences
Classification: Uncertain significance for USH2A-related condition. Last evaluated: 2026-06-10. Review status: criteria provided, single submitter. Criteria: ACMG Guidelines, 2015. Collection method: clinical testing. Allele origin: germline.
Comment: The USH2A c.1981C>G variant is predicted to result in the amino acid substitution p.Gln661Glu. To our knowledge, this variant has not been reported in the literature. This variant is reported in 0.024% of alleles in individuals of African descent in gnomAD. At this time, the clinical significance of this variant is uncertain due to the absence of conclusive functional and genetic evidence.

GeneDx
Classification: Uncertain significance. Last evaluated: 2025-09-14. Review status: criteria provided, single submitter. Criteria: GeneDx Variant Classification Process June 2021. Collection method: clinical testing. Allele origin: germline.
Comment: In silico analysis suggests that this missense variant does not alter protein structure/function; Has not been previously published as pathogenic or benign to our knowledge

Ambry Genetics
Classification: Uncertain significance for Inborn genetic diseases. Last evaluated: 2025-03-27. Review status: criteria provided, single submitter. Criteria: Ambry Variant Classification Scheme 2023. Collection method: clinical testing. Allele origin: germline.

Genome-Nilou Lab
Classification: Uncertain significance for Retinitis pigmentosa 39. Last evaluated: 2023-11-04. Review status: criteria provided, single submitter. Criteria: ACMG Guidelines, 2015. Collection method: clinical testing. Allele origin: germline. Affected: no.

Genome-Nilou Lab
Classification: Uncertain significance for Usher syndrome type 2A. Last evaluated: 2023-11-04. Review status: criteria provided, single submitter. Criteria: ACMG Guidelines, 2015. Collection method: clinical testing. Allele origin: germline. Affected: no.

Blueprint Genetics
Classification: Uncertain significance. Last evaluated: 2022-11-02. Review status: criteria provided, single submitter. Criteria: ACMG Guidelines, 2015. Collection method: clinical testing. Allele origin: germline.

Labcorp Genetics (formerly Invitae), Labcorp
Classification: Uncertain significance. Last evaluated: 2022-10-24. Review status: criteria provided, single submitter. Criteria: Invitae Variant Classification Sherloc (09022015). Collection method: clinical testing. Allele origin: germline.
Comment: This sequence change replaces glutamine, which is neutral and polar, with glutamic acid, which is acidic and polar, at codon 661 of the USH2A protein (p.Gln661Glu). This variant is present in population databases (rs140955723, gnomAD 0.02%). This variant has not been reported in the literature in individuals affected with USH2A-related conditions. ClinVar contains an entry for this variant (Variation ID: 1008758). Advanced modeling of protein sequence and biophysical properties (such as structural, functional, and spatial information, amino acid conservation, physicochemical variation, residue mobility, and thermodynamic stability) has been performed at Invitae for this missense variant, however the output from this modeling did not meet the statistical confidence thresholds required to predict the impact of this variant on USH2A protein function. In summary, the available evidence is currently insufficient to determine the role of this variant in disease. Therefore, it has been classified as a Variant of Uncertain Significance.

Natera, Inc.
Classification: Uncertain significance for Usher syndrome type 2A. Last evaluated: 2020-02-26. Review status: no assertion criteria provided. Collection method: clinical testing. Allele origin: germline. Not counted in ClinVar's aggregate classification.

NM_206933.4(USH2A):c.1981C>G (p.Gln661Glu)

Gene: USH2A (usherin; minus strand). Cytogenetic location: 1q41.
Variant type: single nucleotide variant.
Coding change: c.1981C>G on transcript NM_206933.4 (MANE Select); coding-DNA position 1981, C replaced by G.
Protein change: p.Gln661Glu; replaces glutamine 661 with glutamic acid.
Molecular consequence: missense variant.
Genome position (GRCh38, 1-based): chr1:216,251,089, G>C on the plus strand (C>G on the coding strand, the complement: USH2A is on the minus strand). VCF-style: chr1-216251089-G-C. GRCh37 (hg19) VCF-style: chr1-216424431-G-C.
Other names: c.1981C>G, p.Gln661Glu (NM_007123.6); c.1981C>G (NM_206933.2); short protein forms Q661E.
Identifiers: ClinVar variation 1008758 (VCV001008758.9), dbSNP rs140955723, ClinGen allele CA1396334.
Genomic context (GRCh38, chr1:216,251,089, plus strand): 5'-AGAATCCATTCTGGCACTGATTGCACTGCCTGCCAGACACGTGTCTCTTACAATTACACT[G>C]TCCTCCAATCTAGAGAAGATACAACATTTTGTAGAATGATGAACGTATCTATTTTTAGAT-3'
Protein context (NP_996816.3, residues 651-671): GSILCDQIGG[Gln661Glu]CNCKRHVSGR